The following is an entry in ClinVar:

NM_020987.5(ANK3):c.10085G>A (p.Ser3362Asn)

Gene: ANK3 (ankyrin 3; minus strand). Cytogenetic location: 10q21.2.
Variant type: single nucleotide variant.
Coding change: c.10085G>A on transcript NM_020987.5 (MANE Select); coding-DNA position 10085, G replaced by A.
Protein change: p.Ser3362Asn; replaces serine 3362 with asparagine.
Molecular consequence: missense variant. On other transcripts: intron variant (4).
Genome position (GRCh38, 1-based): chr10:60,070,796, C>T on the plus strand (G>A on the coding strand, the complement: ANK3 is on the minus strand). VCF-style: chr10-60070796-C-T. GRCh37 (hg19) VCF-style: chr10-61830554-C-T.
Other names: c.4388-2787G>A (NM_001204403.2); c.4409-2787G>A (NM_001204404.2); c.4406-2787G>A (NM_001320874.2); c.1808-2787G>A (NM_001149.4); short protein forms S3362N.
Identifiers: ClinVar variation 1348412 (VCV001348412.6), dbSNP rs746638120, ClinGen allele CA377001567.

ClinVar aggregate classification (germline): Uncertain significance (1 of 4 stars; one submission).

gnomAD v4.1: 4 of 1,614,200 alleles (0.00025%); highest among the groups gnomAD compares: Non-Finnish European, 0.00034%; no homozygotes.

Submission:

Labcorp Genetics (formerly Invitae), Labcorp
Classification: Uncertain significance. Last evaluated: 2025-03-17. Review status: criteria provided, single submitter. Criteria: Invitae Variant Classification Sherloc (09022015). Collection method: clinical testing. Allele origin: germline.
Comment: This sequence change replaces serine, which is neutral and polar, with asparagine, which is neutral and polar, at codon 3362 of the ANK3 protein (p.Ser3362Asn). This variant is present in population databases (no rsID available, gnomAD 0.002%). This variant has not been reported in the literature in individuals affected with ANK3-related conditions. ClinVar contains an entry for this variant (Variation ID: 1348412). An algorithm developed to predict the effect of missense changes on protein structure and function (PolyPhen-2) suggests that this variant is likely to be tolerated. In summary, the available evidence is currently insufficient to determine the role of this variant in disease. Therefore, it has been classified as a Variant of Uncertain Significance.